The following is an entry in ClinVar:

NM_001111125.3(IQSEC2):c.339C>A (p.Asp113Glu)

Gene: IQSEC2 (IQ motif and Sec7 domain ArfGEF 2; minus strand). Cytogenetic location: Xp11.22.
Variant type: single nucleotide variant.
Coding change: c.339C>A on transcript NM_001111125.3 (MANE Select); coding-DNA position 339, C replaced by A.
Protein change: p.Asp113Glu; replaces aspartic acid 113 with glutamic acid.
Molecular consequence: missense variant.
Genome position (GRCh38, 1-based): chrX:53,320,785, G>T on the plus strand (C>A on the coding strand, the complement: IQSEC2 is on the minus strand). VCF-style: chrX-53320785-G-T. GRCh37 (hg19) VCF-style: chrX-53349983-G-T.
Other names: c.339C>A, p.Asp113Glu (NM_001410736.1); short protein forms D113E.
Identifiers: ClinVar variation 2497809 (VCV002497809.2), dbSNP rs1556880210, ClinGen allele CA413239565.

ClinVar aggregate classification (germline): Uncertain significance (1 of 4 stars; one submission).

Allele frequency attached by ClinVar (database versions not stated): gnomAD 0.00001; gnomAD exomes 0.00001; TOPMed below 0.00001.
gnomAD v4.1: 11 of 1,164,234 alleles (0.00094%); highest among the groups gnomAD compares: East Asian, 0.033%; no homozygotes.

Submission:

GeneDx
Classification: Uncertain significance. Last evaluated: 2025-05-01. Review status: criteria provided, single submitter. Criteria: GeneDx Variant Classification Process June 2021. Collection method: clinical testing. Allele origin: germline.
Comment: In silico analysis indicates that this missense variant does not alter protein structure/function; Has not been previously published as pathogenic or benign to our knowledge